The following is an entry in ClinVar:

ClinVar aggregate classification (germline): Uncertain significance (1 of 4 stars; one submission).

Conditions:
Cardiovascular phenotype. Identifiers: MedGen CN230736.

Allele frequency attached by ClinVar (database versions not stated): gnomAD exomes below 0.00001; ExAC 0.00001; gnomAD 0.00001; TOPMed 0.00001.
gnomAD v4.1: 3 of 1,614,014 alleles (0.00019%); highest among the groups gnomAD compares: Admixed American, 0.0017%; no homozygotes.

Submission:

Ambry Genetics
Classification: Uncertain significance for Cardiovascular phenotype. Last evaluated: 2021-04-21. Review status: criteria provided, single submitter. Criteria: Ambry Variant Classification Scheme 2023. Collection method: clinical testing. Allele origin: germline.
Comment: The p.T1215I variant (also known as c.3644C>T), located in coding exon 31 of the ANK2 gene, results from a C to T substitution at nucleotide position 3644. The threonine at codon 1215 is replaced by isoleucine, an amino acid with similar properties. This amino acid position is well conserved in available vertebrate species. In addition, this alteration is predicted to be deleterious by in silico analysis. Since supporting evidence is limited at this time, the clinical significance of this alteration remains unclear.

NM_001148.6(ANK2):c.3644C>T (p.Thr1215Ile)

Gene: ANK2 (ankyrin 2; plus strand). Cytogenetic location: 4q26.
Variant type: single nucleotide variant.
Coding change: c.3644C>T on transcript NM_001148.6 (MANE Select); coding-DNA position 3644, C replaced by T.
Protein change: p.Thr1215Ile; replaces threonine 1215 with isoleucine.
Molecular consequence: missense variant.
Genome position (GRCh38, 1-based): chr4:113,336,629, C>T. VCF-style: chr4-113336629-C-T. GRCh37 (hg19) VCF-style: chr4-114257785-C-T.
Other names: c.3617C>T, p.Thr1206Ile (NM_001127493.3); c.3656C>T, p.Thr1219Ile (NM_001354225.2); c.3545C>T, p.Thr1182Ile (NM_001354228.2, NM_001354258.2); c.3623C>T, p.Thr1208Ile (NM_001354230.2); c.3686C>T, p.Thr1229Ile (NM_001354231.2, NM_001354242.2); c.3680C>T, p.Thr1227Ile (NM_001354232.2); c.3641C>T, p.Thr1214Ile (NM_001354235.2, NM_001354246.2, NM_001354265.2); c.3542C>T, p.Thr1181Ile (NM_001354236.2); and 31 more; short protein forms T1087I, T1128I, T1144I, T1149I, T1182I, T1193I, T1208I, T1210I.
Identifiers: ClinVar variation 1733538 (VCV001733538.2), dbSNP rs751313124, ClinGen allele CA3050895.
Genomic context (GRCh38, chr4:113,336,629, plus strand): 5'-TTGAAAAGGCTCAACCTATGCACAGTGAGCTGGTTAAGAAGATCCTAGGCAACAAAGCTA[C>T]CTTCAGCCCTATAGTCACTTTGGAACCTAGAAGAAGAAAATTCCACAAACCAATTACCAT-3'
Protein context (NP_001139.3, residues 1205-1225): LVKKILGNKA[Thr1215Ile]FSPIVTLEPR